The following is an entry in ClinVar:

ClinVar aggregate classification (germline): Pathogenic/Likely pathogenic. Review status: criteria provided, multiple submitters, no conflicts (2 of 4 stars). 2 submissions from 2 submitters: Pathogenic (1); Likely pathogenic (1). Last evaluated 2026-09-08.

Conditions:
Fabry disease. Also called: Fabry's disease; ANDERSON-FABRY DISEASE; CERAMIDE TRIHEXOSIDASE DEFICIENCY; Angiokeratoma corporis diffusum; GLA DEFICIENCY; HEREDITARY DYSTOPIC LIPIDOSIS. Identifiers: Orphanet 324, MedGen C0002986, MONDO:0010526, OMIM 301500, HP:0001071. Disease mechanism: loss of function, Fabry disease is due to inactivating mutations in the X-linked GLA gene resulting in deficiency of the enzyme Alpha Galactosidase-A..

Submissions (2):

Genomenon, Inc
Classification: Pathogenic for Fabry disease. Last evaluated: 2026-09-08. Review status: criteria provided, single submitter. Criteria: Genomenon Sequence Variant Interpretation Standards - Updated. Collection method: curation. Allele origin: germline. Affected: yes.
Comment: GLA c.639+5G>A is an intronic variant located in the donor splice region of intron 4. This variant has been observed in at least one proband with clinical features consistent with Fabry disease (PMID:23560140). Functional or patient cell studies have been reported (PMID:23560140). At least one splicing study has demonstrated that this variant results in aberrant splicing (PMID:37254000). It is absent or not present at a significant frequency in gnomAD. In conclusion, we classify GLA c.639+5G>A as a pathogenic variant.

Labcorp Genetics (formerly Invitae), Labcorp
Classification: Likely pathogenic for Fabry disease. Last evaluated: 2024-02-23. Review status: criteria provided, single submitter. Criteria: Invitae Variant Classification Sherloc (09022015). Collection method: clinical testing. Allele origin: germline.
Comment: This sequence change falls in intron 4 of the GLA gene. It does not directly change the encoded amino acid sequence of the GLA protein. It affects a nucleotide within the consensus splice site. This variant is not present in population databases (gnomAD no frequency). This variant has been observed in individual(s) with Fabry disease (PMID: 28723748). ClinVar contains an entry for this variant (Variation ID: 946661). Variants that disrupt the consensus splice site are a relatively common cause of aberrant splicing (PMID: 17576681, 9536098). Algorithms developed to predict the effect of sequence changes on RNA splicing suggest that this variant may disrupt the consensus splice site. This variant disrupts the c.639+5G nucleotide in the GLA gene. Other variant(s) that disrupt this nucleotide have been determined to be pathogenic (PMID: 26691501). This suggests that this nucleotide is clinically significant, and that variants that disrupt this position are likely to be disease-causing. In summary, the currently available evidence indicates that the variant is pathogenic, but additional data are needed to prove that conclusively. Therefore, this variant has been classified as Likely Pathogenic.

Literature cited by the submitters: PubMed 23560140 (cited by Genomenon, Inc); PubMed 37254000 (cited by Genomenon, Inc); PubMed 28723748 (cited by Labcorp Genetics (formerly Invitae), Labcorp); PubMed 17576681 (cited by Labcorp Genetics (formerly Invitae), Labcorp); PubMed 9536098 (cited by Labcorp Genetics (formerly Invitae), Labcorp); PubMed 26691501 (cited by Labcorp Genetics (formerly Invitae), Labcorp).

NM_000169.3(GLA):c.639+5G>A

Genes: GLA (galactosidase alpha; minus strand), RPL36A-HNRNPH2 (RPL36A-HNRNPH2 readthrough; plus strand). Cytogenetic location: Xq22.1.
Variant type: single nucleotide variant.
Coding change: c.639+5G>A on transcript NM_000169.3 (MANE Select); 5 bases into the intron after coding-DNA position 639, G replaced by A.
Molecular consequence: intron variant.
Genome position (GRCh38, 1-based): chrX:101,400,661, C>T on the plus strand (G>A on the coding strand, the complement: GLA is on the minus strand). VCF-style: chrX-101400661-C-T. GRCh37 (hg19) VCF-style: chrX-100655649-C-T.
Other names: c.300+5204C>T (NM_001199973.2); c.177+8839C>T (NM_001199974.2); c.762+5G>A (NM_001406747.1); c.639+5G>A (NM_001406748.1).
Identifiers: ClinVar variation 946661 (VCV000946661.12), dbSNP rs1928277140, ClinGen allele CA1139667723.
Genomic context (GRCh38, chrX:101,400,661, plus strand): 5'-TTTCCTTTGTTGTCAAGTTCTATCTATCAGTACAGTTCTATTGGATTCTGGGCTCACTAT[C>T]TCACCTTTTGAAAGGGCCACATATAAAGAGGCCACTCACAGGAGTACACAATGCTTCTGC-3'